The following is an entry in ClinVar:

NM_003705.5(SLC25A12):c.1820T>C (p.Ile607Thr)

Gene: SLC25A12 (solute carrier family 25 member 12; minus strand). Cytogenetic location: 2q31.1.
Variant type: single nucleotide variant.
Coding change: c.1820T>C on transcript NM_003705.5 (MANE Select); coding-DNA position 1820, T replaced by C.
Protein change: p.Ile607Thr; replaces isoleucine 607 with threonine.
Molecular consequence: missense variant. On other transcripts: non-coding transcript variant (1).
Genome position (GRCh38, 1-based): chr2:171,787,586, A>G on the plus strand (T>C on the coding strand, the complement: SLC25A12 is on the minus strand). VCF-style: chr2-171787586-A-G. GRCh37 (hg19) VCF-style: chr2-172644096-A-G.
Other names: short protein forms I607T.
Identifiers: ClinVar variation 2183191 (VCV002183191.1), dbSNP rs762487612, ClinGen allele CA1966028.

ClinVar aggregate classification (germline): Uncertain significance (1 of 4 stars; one submission).

Allele frequency attached by ClinVar (database versions not stated): gnomAD exomes below 0.00001; ExAC 0.00001; gnomAD 0.00001; TOPMed 0.00002.
gnomAD v4.1: 5 of 1,613,760 alleles (0.00031%); highest among the groups gnomAD compares: Non-Finnish European, 0.00042%; no homozygotes.

Submission:

Labcorp Genetics (formerly Invitae), Labcorp
Classification: Uncertain significance. Last evaluated: 2022-08-20. Review status: criteria provided, single submitter. Criteria: Invitae Variant Classification Sherloc (09022015). Collection method: clinical testing. Allele origin: germline.
Comment: This sequence change replaces isoleucine, which is neutral and non-polar, with threonine, which is neutral and polar, at codon 607 of the SLC25A12 protein (p.Ile607Thr). This variant is present in population databases (rs762487612, gnomAD 0.002%). This variant has not been reported in the literature in individuals affected with SLC25A12-related conditions. Algorithms developed to predict the effect of missense changes on protein structure and function are either unavailable or do not agree on the potential impact of this missense change (SIFT: "Deleterious"; PolyPhen-2: "Benign"; Align-GVGD: "Class C0"). In summary, the available evidence is currently insufficient to determine the role of this variant in disease. Therefore, it has been classified as a Variant of Uncertain Significance.